The following is an entry in ClinVar:

ClinVar aggregate classification (germline): Likely benign (0 of 4 stars; one submission).

Conditions:
H1-4-related disorder. Also called: H1-4-related condition.

Allele frequency attached by ClinVar (database versions not stated): gnomAD 0.00004.

Submission:

PreventionGenetics, part of Exact Sciences
Classification: Likely benign for H1-4-related condition. Last evaluated: 2022-10-13. Review status: no assertion criteria provided. Collection method: clinical testing. Allele origin: germline.
Comment: This variant is classified as likely benign based on ACMG/AMP sequence variant interpretation guidelines (Richards et al. 2015 PMID: 25741868, with internal and published modifications).

NM_005321.3(H1-4):c.609C>T (p.Thr203=)

Gene: H1-4 (H1.4 linker histone, cluster member; plus strand). Cytogenetic location: 6p22.2.
Variant type: single nucleotide variant.
Coding change: c.609C>T on transcript NM_005321.3 (MANE Select); coding-DNA position 609, C replaced by T.
Protein change: p.Thr203=; no amino-acid change (threonine 203 retained).
Molecular consequence: synonymous variant.
Genome position (GRCh38, 1-based): chr6:26,156,999, C>T. VCF-style: chr6-26156999-C-T. GRCh37 (hg19) VCF-style: chr6-26157227-C-T.
Identifiers: ClinVar variation 3029846 (VCV003029846.2), dbSNP rs758064251, ClinGen allele CA3668247.
Genomic context (GRCh38, chr6:26,156,999, plus strand): 5'-GGCGCCCAAGAGCCCAGCGAAGGCCAAAGCAGTTAAACCCAAGGCGGCTAAACCAAAGAC[C>T]GCCAAGCCCAAGGCAGCCAAGCCAAAGAAGGCGGCAGCCAAGAAAAAGTAGAAAGTTCCT-3'
Protein context (NP_005312.1, residues 193-213): AVKPKAAKPK[Thr203=]AKPKAAKPKK